The following is an entry in ClinVar:

ClinVar aggregate classification (germline): Likely benign. Review status: criteria provided, single submitter (1 of 4 stars). 2 submissions from 2 submitters: Likely benign (1). 1 of the submissions does not count toward it. Last evaluated 2023-01-16.

Conditions:
PLXNA2-related disorder. Also called: PLXNA2-related condition.

Allele frequency attached by ClinVar (database versions not stated): gnomAD 0.00003; TOPMed 0.00003.
gnomAD v4.1: 31 of 1,613,898 alleles (0.0019%); highest among the groups gnomAD compares: Admixed American, 0.0033%; no homozygotes.

Submissions (2):

Labcorp Genetics (formerly Invitae), Labcorp
Classification: Likely benign. Last evaluated: 2023-01-16. Review status: criteria provided, single submitter. Criteria: Invitae Variant Classification Sherloc (09022015). Collection method: clinical testing. Allele origin: germline.

PreventionGenetics, part of Exact Sciences
Classification: Likely benign for PLXNA2-related condition. Last evaluated: 2023-05-24. Review status: no assertion criteria provided. Collection method: clinical testing. Allele origin: germline. Not counted in ClinVar's aggregate classification.
Comment: This variant is classified as likely benign based on ACMG/AMP sequence variant interpretation guidelines (Richards et al. 2015 PMID: 25741868, with internal and published modifications).

NM_025179.4(PLXNA2):c.3981G>A (p.Pro1327=)

Gene: PLXNA2 (plexin A2; minus strand). Cytogenetic location: 1q32.2.
Variant type: single nucleotide variant.
Coding change: c.3981G>A on transcript NM_025179.4 (MANE Select); coding-DNA position 3981, G replaced by A.
Protein change: p.Pro1327=; no amino-acid change (proline 1327 retained).
Molecular consequence: synonymous variant.
Genome position (GRCh38, 1-based): chr1:208,043,097, C>T on the plus strand (G>A on the coding strand, the complement: PLXNA2 is on the minus strand). VCF-style: chr1-208043097-C-T. GRCh37 (hg19) VCF-style: chr1-208216442-C-T.
Other names: c.3981G>A (NM_025179.3).
Identifiers: ClinVar variation 1906559 (VCV001906559.7), dbSNP rs765926049, ClinGen allele CA36699393.